The following is an entry in ClinVar:

ClinVar aggregate classification (germline): Benign (1 of 4 stars; one submission).

gnomAD v4.1: 3,775 of 1,603,642 alleles (0.24%); highest among the groups gnomAD compares: East Asian, 4.6%; 63 homozygotes.

Submission:

Mayo Clinic Laboratories, Mayo Clinic
Classification: Benign. Last evaluated: 2022-09-13. Review status: criteria provided, single submitter. Criteria: ACMG Guidelines, 2015. Collection method: clinical testing. Allele origin: germline. Observed: 7 variant alleles.
Comment: BA1, BP4, BP7

NM_006412.4(AGPAT2):c.588+21C>G

Gene: AGPAT2 (1-acylglycerol-3-phosphate O-acyltransferase 2; minus strand). Cytogenetic location: 9q34.3.
Variant type: single nucleotide variant.
Coding change: c.588+21C>G on transcript NM_006412.4 (MANE Select); 21 bases into the intron after coding-DNA position 588, C replaced by G.
Molecular consequence: intron variant.
Genome position (GRCh38, 1-based): chr9:136,676,564, G>C on the plus strand (C>G on the coding strand, the complement: AGPAT2 is on the minus strand). VCF-style: chr9-136676564-G-C. GRCh37 (hg19) VCF-style: chr9-139571016-G-C.
Other names: p.?; c.492+397C>G (NM_001012727.2).
Identifiers: ClinVar variation 4683472 (VCV004683472.1).